The following is an entry in ClinVar:

NM_000069.3(CACNA1S):c.2501A>G (p.His834Arg)

Gene: CACNA1S (calcium voltage-gated channel subunit alpha1 S; minus strand). Cytogenetic location: 1q32.1.
Variant type: single nucleotide variant.
Coding change: c.2501A>G on transcript NM_000069.3 (MANE Select); coding-DNA position 2501, A replaced by G.
Protein change: p.His834Arg; replaces histidine 834 with arginine.
Molecular consequence: missense variant.
Genome position (GRCh38, 1-based): chr1:201,069,186, T>C on the plus strand (A>G on the coding strand, the complement: CACNA1S is on the minus strand). VCF-style: chr1-201069186-T-C. GRCh37 (hg19) VCF-style: chr1-201038314-T-C.
Other names: short protein forms H834R.
Identifiers: ClinVar variation 2662801 (VCV002662801.1), dbSNP rs2464534121, ClinGen allele CA344106080.

ClinVar aggregate classification (germline): Uncertain significance (1 of 4 stars; one submission).

Allele frequency attached by ClinVar (database versions not stated): gnomAD exomes below 0.00001.
gnomAD v4.1: 3 of 1,614,040 alleles (0.00019%); highest among the groups gnomAD compares: Middle Eastern, 0.016%; no homozygotes.

Submission:

GeneDx
Classification: Uncertain significance. Last evaluated: 2023-04-13. Review status: criteria provided, single submitter. Criteria: GeneDx Variant Classification Process June 2021. Collection method: clinical testing. Allele origin: germline. Affected: yes.
Comment: Not observed at significant frequency in large population cohorts (gnomAD); In silico analysis supports that this missense variant has a deleterious effect on protein structure/function; Has not been previously published as pathogenic or benign to our knowledge